The following is an entry in ClinVar:

NM_000059.4(BRCA2):c.728del (p.Asn243fs)

Gene: BRCA2 (BRCA2 DNA repair associated; plus strand). Cytogenetic location: 13q13.1.
Variant type: Deletion.
Coding change: c.728del on transcript NM_000059.4 (MANE Select); coding-DNA position 728, one base deleted (A; older notation c.728delA).
Protein change: p.Asn243fs; shifts the reading frame from asparagine 243.
Molecular consequence: frameshift variant.
Genome position (GRCh38, 1-based): chr13:32,330,965, A deleted; the last of 5 consecutive A bases (chr13:32,330,961-32,330,965); deleting any one gives the same sequence. VCF-style (leftmost placement, unchanged base first): chr13-32330960-GA-G. GRCh37 (hg19) VCF-style: chr13-32905097-GA-G.
Other names: c.728delA (NM_000059.4); short protein forms N243fs.
Identifiers: ClinVar variation 1012164 (VCV001012164.36), dbSNP rs886040697, ClinGen allele CA2082759173.
Genomic context (GRCh38, chr13:32,330,960, plus strand): 5'-TAAACTATAATTTTTGCAGAATGTGAAAAGCTATTTTTCCAATCATGATGAAAGTCTGAA[GA>G]AAAATGATAGATTTATCGCTTCTGTGACAGACAGTGAAAACACAAATCAAAGAGAAGCTG-3'

ClinVar aggregate classification (germline): Pathogenic. Review status: criteria provided, multiple submitters, no conflicts (2 of 4 stars). 3 submissions from 3 submitters: Pathogenic (2). 1 of the submissions does not count toward it. Last evaluated 2022-07-01.

Conditions:
Hereditary cancer-predisposing syndrome. Also called: Hereditary Cancer Syndrome; Hereditary neoplastic syndrome; Neoplastic Syndromes, Hereditary; Tumor predisposition. Identifiers: Orphanet 140162, MedGen C0027672, MeSH D009386, MONDO:0015356.
Familial cancer of breast. Also called: hereditary breast carcinoma; BREAST CANCER, FAMILIAL; Hereditary breast cancer. Identifiers: Orphanet 227535, MedGen C0346153, MONDO:0016419, OMIM 114480. Disease mechanism: loss of function.

Submissions (3):

CeGaT Center for Human Genetics Tuebingen
Classification: Pathogenic. Last evaluated: 2022-07-01. Review status: criteria provided, single submitter. Criteria: CeGaT Center For Human Genetics Tuebingen Variant Classification Criteria Version 2. Collection method: clinical testing. Allele origin: germline. Affected: yes. Observed: 1 variant allele.
Comment: BRCA2: PVS1, PM2

Ambry Genetics
Classification: Pathogenic for Hereditary cancer-predisposing syndrome. Last evaluated: 2020-11-30. Review status: criteria provided, single submitter. Criteria: Ambry Variant Classification Scheme 2023. Collection method: clinical testing. Allele origin: germline.
Comment: The c.728delA pathogenic mutation, located in coding exon 8 of the BRCA2 gene, results from a deletion of one nucleotide at nucleotide position 728, causing a translational frameshift with a predicted alternate stop codon (p.N243Mfs*8). This alteration was identified in a large, worldwide study of BRCA1/2 mutation positive families (Rebbeck TR et al. Hum Mutat, 2018 05;39:593-620). This alteration is expected to result in loss of function by premature protein truncation or nonsense-mediated mRNA decay. As such, this alteration is interpreted as a disease-causing mutation.

Genomic Center, National Cancer Institute
Classification: Pathogenic for Familial cancer of breast. Review status: no assertion criteria provided. Collection method: case-control. Allele origin: germline. Affected: yes. Not counted in ClinVar's aggregate classification.

Literature cited by the submitters: PubMed 29446198 (cited by Ambry Genetics).